The following is an entry in ClinVar:

ClinVar aggregate classification (germline): Uncertain significance (1 of 4 stars; one submission).

Conditions:
Emery-Dreifuss muscular dystrophy 5, autosomal dominant (EDMD5). Also called: EMERY-DREIFUSS MUSCULAR DYSTROPHY 5. Identifiers: Orphanet 261, MedGen C2751805, MONDO:0013072, OMIM 612999.

gnomAD v4.1: 6 of 1,613,000 alleles (0.00037%); highest among the groups gnomAD compares: South Asian, 0.0011%; no homozygotes.

Submission:

Labcorp Genetics (formerly Invitae), Labcorp
Classification: Uncertain significance for Emery-Dreifuss muscular dystrophy 5, autosomal dominant. Last evaluated: 2025-12-20. Review status: criteria provided, single submitter. Criteria: Invitae Variant Classification Sherloc (09022015). Collection method: clinical testing. Allele origin: germline.
Comment: This sequence change replaces aspartic acid, which is acidic and polar, with glycine, which is neutral and non-polar, at codon 19 of the SYNE2 protein (p.Asp19Gly). This variant is present in population databases (rs777956796, gnomAD 0.003%). This variant has not been reported in the literature in individuals affected with SYNE2-related conditions. An algorithm developed to predict the effect of missense changes on protein structure and function (PolyPhen-2) suggests that this variant is likely to be tolerated. In summary, the available evidence is currently insufficient to determine the role of this variant in disease. Therefore, it has been classified as a Variant of Uncertain Significance.

NM_182914.3(SYNE2):c.56A>G (p.Asp19Gly)

Gene: SYNE2 (spectrin repeat containing nuclear envelope protein 2; plus strand). Cytogenetic location: 14q23.2.
Variant type: single nucleotide variant.
Coding change: c.56A>G on transcript NM_182914.3 (MANE Select); coding-DNA position 56, A replaced by G.
Protein change: p.Asp19Gly; replaces aspartic acid 19 with glycine.
Molecular consequence: missense variant.
Genome position (GRCh38, 1-based): chr14:63,909,204, A>G. VCF-style: chr14-63909204-A-G. GRCh37 (hg19) VCF-style: chr14-64375922-A-G.
Other names: c.56A>G, p.Asp19Gly (NM_015180.6); short protein forms D19G.
Identifiers: ClinVar variation 4797199 (VCV004797199.1).
Genomic context (GRCh38, chr14:63,909,204, plus strand): 5'-AAAGAATGGCATCTAGTCCTGAGCTTCCCACCGAAGATGAACAGGGTTCCTGGGGCATCG[A>G]CGATCTCCATATTTCATTGCAAGGTAATTAAGATTGGGTGGGGGTAACACCCACAGAAAC-3'
Protein context (NP_878918.2, residues 9-29): TEDEQGSWGI[Asp19Gly]DLHISLQAEQ